The following is an entry in ClinVar:

NM_012275.3(IL36RN):c.*1633C>T

Gene: IL36RN (interleukin 36 receptor antagonist; plus strand). Cytogenetic location: 2q14.1.
Variant type: single nucleotide variant.
Coding change: c.*1633C>T on transcript NM_012275.3 (MANE Select); 1633 bases downstream of the stop codon, C replaced by T.
Molecular consequence: 3 prime UTR variant.
Genome position (GRCh38, 1-based): chr2:113,064,310, C>T. VCF-style: chr2-113064310-C-T. GRCh37 (hg19) VCF-style: chr2-113821887-C-T.
Other names: c.*1633C>T (NM_173170.1).
Identifiers: ClinVar variation 330805 (VCV000330805.6), dbSNP rs2515405, ClinGen allele CA10611938.

ClinVar aggregate classification (germline): Benign. Review status: criteria provided, multiple submitters, no conflicts (2 of 4 stars). 2 submissions from 2 submitters: Benign (2). Last evaluated 2018-01-12.

Conditions:
Generalized pustular psoriasis. Identifiers: Orphanet 247353, MedGen C0343055, MONDO:0100491.

Allele frequency attached by ClinVar (database versions not stated): 1000 Genomes Project 0.16134; gnomAD 0.16428 and 0.17068; 1000 Genomes Project 30x 0.16880; TOPMed 0.18391.

Submissions (2):

Illumina Laboratory Services, Illumina
Classification: Benign for Acrodermatitis continua suppurativa of Hallopeau. Last evaluated: 2018-01-12. Review status: criteria provided, single submitter. Criteria: ICSL Variant Classification Criteria 13 December 2019. Collection method: clinical testing. Allele origin: germline.
Comment: This variant was observed in the ICSL laboratory as part of a predisposition screen in an ostensibly healthy population. It had not been previously curated by ICSL or reported in the Human Gene Mutation Database (HGMD: prior to June 1st, 2018), and was therefore a candidate for classification through an automated scoring system. Utilizing variant allele frequency, disease prevalence and penetrance estimates, and inheritance mode, an automated score was calculated to assess if this variant is too frequent to cause the disease. Based on the score and internal cut-off values, a variant classified as benign is not then subjected to further curation. The score for this variant resulted in a classification of benign for this disease.

Breakthrough Genomics
Classification: Benign. Review status: criteria provided, single submitter. Criteria: ACMG Guidelines, 2015. Collection method: not provided. Allele origin: germline. Inheritance: Autosomal recessive inheritance. Affected: yes.